The following is an entry in ClinVar:

ClinVar aggregate classification (germline): Uncertain significance (1 of 4 stars; one submission).

Conditions:
Aortic aneurysm, familial thoracic 4 (AAT4). Also called: AORTIC ANEURYSM/AORTIC DISSECTION AND PATENT DUCTUS ARTERIOSUS. Identifiers: MedGen C1851504, MONDO:0007568, OMIM 132900.

Submission:

Labcorp Genetics (formerly Invitae), Labcorp
Classification: Uncertain significance for Aortic aneurysm, familial thoracic 4. Last evaluated: 2022-05-20. Review status: criteria provided, single submitter. Criteria: Invitae Variant Classification Sherloc (09022015). Collection method: clinical testing. Allele origin: germline.
Comment: In summary, the available evidence is currently insufficient to determine the role of this variant in disease. Therefore, it has been classified as a Variant of Uncertain Significance. Algorithms developed to predict the effect of missense changes on protein structure and function are either unavailable or do not agree on the potential impact of this missense change (SIFT: "Deleterious"; PolyPhen-2: "Probably Damaging"; Align-GVGD: "Class C0"). This variant has not been reported in the literature in individuals affected with MYH11-related conditions. This variant is not present in population databases (gnomAD no frequency). This sequence change replaces lysine, which is basic and polar, with asparagine, which is neutral and polar, at codon 1532 of the MYH11 protein (p.Lys1532Asn).

NM_002474.3(MYH11):c.4575G>T (p.Lys1525Asn)

Genes: MYH11 (myosin heavy chain 11; minus strand), NDE1 (nudE neurodevelopment protein 1; plus strand). Cytogenetic location: 16p13.11.
Variant type: single nucleotide variant.
Coding change: c.4575G>T on transcript NM_002474.3 (MANE Select); coding-DNA position 4575, G replaced by T.
Protein change: p.Lys1525Asn; replaces lysine 1525 with asparagine.
Molecular consequence: missense variant. On other transcripts: intron variant (2).
Genome position (GRCh38, 1-based): chr16:15,721,425, C>A on the plus strand (G>T on the coding strand, the complement: MYH11 is on the minus strand). VCF-style: chr16-15721425-C-A. GRCh37 (hg19) VCF-style: chr16-15815282-C-A.
Other names: c.4596G>T, p.Lys1532Asn (NM_001040113.2, NM_001040114.2); c.4575G>T, p.Lys1525Asn (NM_022844.3); c.948-2766C>A (NM_001143979.2, NM_017668.3); short protein forms K1525N, K1532N.
Identifiers: ClinVar variation 1996658 (VCV001996658.4), dbSNP rs2506126030, ClinGen allele CA394854768.